The following is an entry in ClinVar:

NM_000018.4(ACADVL):c.238G>C (p.Gly80Arg)

Gene: ACADVL (acyl-CoA dehydrogenase very long chain; plus strand). Cytogenetic location: 17p13.1.
Variant type: single nucleotide variant.
Coding change: c.238G>C on transcript NM_000018.4 (MANE Select); coding-DNA position 238, G replaced by C.
Protein change: p.Gly80Arg; replaces glycine 80 with arginine.
Molecular consequence: missense variant.
Genome position (GRCh38, 1-based): chr17:7,220,637, G>C. VCF-style: chr17-7220637-G-C. GRCh37 (hg19) VCF-style: chr17-7123956-G-C.
Other names: c.172G>C, p.Gly58Arg (NM_001033859.3); c.307G>C, p.Gly103Arg (NM_001270447.2); c.10G>C, p.Gly4Arg (NM_001270448.2); short protein forms G4R, G58R, G103R, G80R.
Identifiers: ClinVar variation 2883229 (VCV002883229.4), dbSNP rs766001030, ClinGen allele CA8337606.

ClinVar aggregate classification (germline): Conflicting classifications of pathogenicity. Review status: criteria provided, conflicting classifications (1 of 4 stars). 2 submissions from 2 submitters: Likely pathogenic (1); Uncertain significance (1). Last evaluated 2025-11-05.

Conditions:
Very long chain acyl-CoA dehydrogenase deficiency (ACADVLD). Also called: VLCAD Deficiency; Very Long-Chain Acyl-Coenzyme A Dehydrogenase Deficiency. Identifiers: Orphanet 26793, MedGen C3887523, MONDO:0008723, OMIM 201475.

Allele frequency attached by ClinVar (database versions not stated): ExAC 0.00001.

Submissions (2):

Labcorp Genetics (formerly Invitae), Labcorp
Classification: Likely pathogenic for Very long chain acyl-CoA dehydrogenase deficiency. Last evaluated: 2025-11-05. Review status: criteria provided, single submitter. Criteria: Invitae Variant Classification Sherloc (09022015). Collection method: clinical testing. Allele origin: germline.
Comment: This sequence change replaces glycine, which is neutral and non-polar, with arginine, which is basic and polar, at codon 80 of the ACADVL protein (p.Gly80Arg). This variant is not present in population databases (gnomAD no frequency). This variant has not been reported in the literature in individuals affected with ACADVL-related conditions. ClinVar contains an entry for this variant (Variation ID: 2883229). Invitae Evidence Modeling of protein sequence and biophysical properties (such as structural, functional, and spatial information, amino acid conservation, physicochemical variation, residue mobility, and thermodynamic stability) indicates that this missense variant is expected to disrupt ACADVL protein function with a positive predictive value of 80%. This variant disrupts the p.Gly80 amino acid residue in ACADVL. Other variant(s) that disrupt this residue have been determined to be pathogenic (PMID: 30194637). This suggests that this residue is clinically significant, and that variants that disrupt this residue are likely to be disease-causing. In summary, the currently available evidence indicates that the variant is pathogenic, but additional data are needed to prove that conclusively. Therefore, this variant has been classified as Likely Pathogenic.

Myriad Genetics, Inc.
Classification: Uncertain significance for Very long chain acyl-CoA dehydrogenase deficiency. Last evaluated: 2025-07-31. Review status: criteria provided, single submitter. Criteria: Myriad Autosomal Dominant, Autosomal Recessive and X-Linked Classification Criteria (2023). Collection method: clinical testing. Allele origin: unknown.
Comment: NM_000018.3(ACADVL):c.238G>C(G80R) is a missense variant classified as a variant of uncertain significance in the context of very-long-chain acyl-CoA dehydrogenase deficiency. G80R has not been observed in cases with relevant disease. Relevant functional assessments of this variant are not available in the literature. G80R has not been observed in referenced population frequency databases. In summary, there is insufficient evidence to classify NM_000018.3(ACADVL):c.238G>C(G80R) as pathogenic or benign. Please note: this variant was assessed in the context of healthy population screening.

Literature cited by the submitters: PubMed 30194637 (cited by Labcorp Genetics (formerly Invitae), Labcorp).